The following is an entry in ClinVar:

NM_014956.5(CEP164):c.619A>T (p.Thr207Ser)

Gene: CEP164 (centrosomal protein 164; plus strand). Cytogenetic location: 11q23.3.
Variant type: single nucleotide variant.
Coding change: c.619A>T on transcript NM_014956.5 (MANE Select); coding-DNA position 619, A replaced by T.
Protein change: p.Thr207Ser; replaces threonine 207 with serine.
Molecular consequence: missense variant.
Genome position (GRCh38, 1-based): chr11:117,362,470, A>T. VCF-style: chr11-117362470-A-T. GRCh37 (hg19) VCF-style: chr11-117233186-A-T.
Other names: c.619A>T, p.Thr207Ser (NM_001271933.2, NM_001440949.1, NM_001440950.1 and 36 more transcripts); c.481A>T, p.Thr161Ser (NM_001440960.1); short protein forms T161S, T207S.
Identifiers: ClinVar variation 4992217 (VCV004992217.1).

ClinVar aggregate classification (germline): Uncertain significance (1 of 4 stars; one submission).

Conditions:
CEP164-related disorder. Also called: CEP164-related condition.

Submission:

PreventionGenetics, part of Exact Sciences
Classification: Uncertain significance for CEP164-related condition. Last evaluated: 2025-12-08. Review status: criteria provided, single submitter. Criteria: ACMG Guidelines, 2015. Collection method: clinical testing. Allele origin: germline.
Comment: The CEP164 c.619A>T variant is predicted to result in the amino acid substitution p.Thr207Ser. To our knowledge, this variant has not been reported in the literature or in a large population database (gnomAD), indicating this variant is rare. At this time, the clinical significance of this variant is uncertain due to the absence of conclusive functional and genetic evidence.